The following is an entry in ClinVar:

ClinVar aggregate classification (germline): Uncertain significance (1 of 4 stars; one submission).

Conditions:
Developmental and epileptic encephalopathy, 23 (DEE23). Also called: Epileptic encephalopathy, early infantile, 23. Identifiers: Orphanet 411986, MedGen C4014492, MONDO:0014371, OMIM 615859.

Allele frequency attached by ClinVar (database versions not stated): gnomAD exomes below 0.00001; ExAC 0.00001; gnomAD 0.00001; TOPMed 0.00001; ESP Exome Variant Server 0.00008.
gnomAD v4.1: 6 of 1,612,744 alleles (0.00037%); highest among the groups gnomAD compares: South Asian, 0.0022%; no homozygotes.

Submission:

Labcorp Genetics (formerly Invitae), Labcorp
Classification: Uncertain significance for Developmental and epileptic encephalopathy, 23. Last evaluated: 2022-02-28. Review status: criteria provided, single submitter. Criteria: Invitae Variant Classification Sherloc (09022015). Collection method: clinical testing. Allele origin: germline.
Comment: In summary, the available evidence is currently insufficient to determine the role of this variant in disease. Therefore, it has been classified as a Variant of Uncertain Significance. Algorithms developed to predict the effect of missense changes on protein structure and function are either unavailable or do not agree on the potential impact of this missense change (SIFT: "Tolerated"; PolyPhen-2: "Probably Damaging"; Align-GVGD: "Class C0"). This variant has not been reported in the literature in individuals affected with DOCK7-related conditions. This variant is present in population databases (rs375208518, gnomAD 0.0009%). This sequence change replaces arginine, which is basic and polar, with cysteine, which is neutral and slightly polar, at codon 1443 of the DOCK7 protein (p.Arg1443Cys).

NM_001367561.1(DOCK7):c.4354C>T (p.Arg1452Cys)

Gene: DOCK7 (dedicator of cytokinesis 7; minus strand). Cytogenetic location: 1p31.3.
Variant type: single nucleotide variant.
Coding change: c.4354C>T on transcript NM_001367561.1 (MANE Select); coding-DNA position 4354, C replaced by T.
Protein change: p.Arg1452Cys; replaces arginine 1452 with cysteine.
Molecular consequence: missense variant.
Genome position (GRCh38, 1-based): chr1:62,510,602, G>A on the plus strand (C>T on the coding strand, the complement: DOCK7 is on the minus strand). VCF-style: chr1-62510602-G-A. GRCh37 (hg19) VCF-style: chr1-62976273-G-A.
Other names: c.4327C>T, p.Arg1443Cys (NM_001271999.2, NM_001330614.2); c.4234C>T, p.Arg1412Cys (NM_001272000.2, NM_001272001.2); c.4261C>T, p.Arg1421Cys (NM_033407.4); short protein forms R1443C, R1421C, R1452C, R1412C.
Identifiers: ClinVar variation 2104535 (VCV002104535.4), dbSNP rs375208518, ClinGen allele CA885731.
Genomic context (GRCh38, chr1:62,510,602, plus strand): 5'-ACCCATCAGTAACATAAAATAGAAAGCTGTATTACTTGTCAAGCTTCTCTGTGTTTTGAC[G>A]CCAGTGAGTCATATCTTTCCTCCACCTCAAATTTTCTTGACTTCCAAAGGCACTTCCAGA-3'
Protein context (NP_001354490.1, residues 1442-1462): LRWRKDMTHW[Arg1452Cys]QNTEKLDKSR